The following is an entry in ClinVar:

ClinVar aggregate classification (germline): Pathogenic/Likely pathogenic. Review status: criteria provided, multiple submitters, no conflicts (2 of 4 stars). 7 submissions from 7 submitters: Pathogenic (2); Likely pathogenic (5). Last evaluated 2026-09-11.

Conditions:
Classic or attenuated familial adenomatous polyposis. Identifiers: MedGen CN372698, MONDO:0021057.
APC-related disorder. Also called: APC-related condition.
Hereditary cancer-predisposing syndrome. Also called: Neoplastic Syndromes, Hereditary; Hereditary neoplastic syndrome; Hereditary Cancer Syndrome; Tumor predisposition. Identifiers: Orphanet 140162, MedGen C0027672, MeSH D009386, MONDO:0015356.
Familial adenomatous polyposis 1 (FAP1). Also called: POLYPOSIS, ADENOMATOUS INTESTINAL; FAMILIAL ADENOMATOUS POLYPOSIS 1, ATTENUATED. Identifiers: MedGen C2713442, MONDO:0021056, OMIM 175100. Disease mechanism: loss of function.

Allele frequency attached by ClinVar (database versions not stated): ExAC 0.00001.

Submissions (8):

PreventionGenetics, part of Exact Sciences
Classification: Pathogenic for APC-related condition. Last evaluated: 2026-09-11. Review status: criteria provided, single submitter. Criteria: ACMG Guidelines, 2015. Collection method: clinical testing. Allele origin: germline.
Comment: The APC c.1743+1G>A variant is predicted to disrupt the GT donor site and interfere with normal splicing. This variant has been reported in an individual with familial adenomatous polyposis coli (Plawski et al. 2008. PubMed ID: 19029688). This variant has not been reported in a large population database (gnomAD), indicating it is rare, and it is consistently interpreted as pathogenic/likely pathogenic in ClinVar (Variation ID: 236563). An alternate nucleotide substitution affecting the same GT Doner site (c.1743+1G>T) has also been reported in an individual with familial adenomatous polyposis coli (Table S1, Lagarde et al. 2010. PubMed ID: 20685668). Variants that disrupt consensus splice donor sites in APC are expected to be pathogenic. The c.1743+1G>A variant is interpreted as pathogenic.

Labcorp Genetics (formerly Invitae), Labcorp
Classification: Likely pathogenic for Familial adenomatous polyposis 1. Last evaluated: 2025-08-30. Review status: criteria provided, single submitter. Criteria: Invitae Variant Classification Sherloc (09022015). Collection method: clinical testing. Allele origin: germline.
Comment: This sequence change affects a donor splice site in intron 14 of the APC gene. It is expected to disrupt RNA splicing. Variants that disrupt the donor or acceptor splice site typically lead to a loss of protein function (PMID: 16199547), and loss-of-function variants in APC are known to be pathogenic (PMID: 17963004, 20685668). This variant is present in population databases (rs761458613, gnomAD 0.0009%). Disruption of this splice site has been observed in individual(s) with personal and/or family history of adenomatous polyposis (PMID: 19029688; internal data). ClinVar contains an entry for this variant (Variation ID: 236563). Studies have shown that disruption of this splice site is associated with inconclusive levels of altered splicing (internal data). In summary, the currently available evidence indicates that the variant is pathogenic, but additional data are needed to prove that conclusively. Therefore, this variant has been classified as Likely Pathogenic.

Ambry Genetics
Classification: Pathogenic for Hereditary cancer-predisposing syndrome. Last evaluated: 2024-11-01. Review status: criteria provided, single submitter. Criteria: Ambry Variant Classification Scheme 2023. Collection method: clinical testing. Allele origin: germline.
Comment: The c.1743+1G>A intronic pathogenic mutation results from a G to A substitution one nucleotide after coding exon 13 of the APC gene. Alterations that disrupt the canonical splice site are expected to result in aberrant splicing. In silico splice site analysis predicts that this alteration will weaken the native splice donor site. RNA studies have demonstrated that this alteration results in abnormal splicing in the set of samples tested (Ambry internal data). The resulting transcript is predicted to be in-frame and is not expected to trigger nonsense-mediated mRNAdecay. The exact functional effect of the missing amino acids is unknown; however, many close match splice alterations that occur in individuals with FAP are known or predicted to result in the same aberrant splice event (Ambry internal data; Kaufmann A et al. J Mol Diagn, 2009 Mar;11:131-9; Lagarde A et al. J Med Genet, 2010 Oct;47:721-2). This alteration has been observed in multiple individuals with a personal and/or family history that is consistent with APC-related disease (Ambry internal data; Plawski A et al. J Appl Genet, 2008;49:407-14). This variant was not reported in population-based cohorts in the Genome Aggregation Database (gnomAD). Based on the supporting evidence, this alteration is interpreted as a disease-causing mutation.

All of Us Research Program, National Institutes of Health
Classification: Likely pathogenic for Classic or attenuated familial adenomatous polyposis. Last evaluated: 2024-03-14. Review status: criteria provided, single submitter. Criteria: ACMG Guidelines, 2015. Collection method: clinical testing. Allele origin: germline. Inheritance: Autosomal dominant inheritance. Observed: 1 variant allele, 1 heterozygote.
Comment: This variant causes a G>A nucleotide substitution at the +1 position of intron 14 of the APC gene. Splice site prediction tools suggest that this variant may have a significant impact on RNA splicing. Although this prediction has not been confirmed in published RNA studies, this variant is expected to result in an absent or disrupted protein product. This variant has been reported to impact RNA splicing (Ambry Genetics; ClinVar SCV002712125.1). This variant has been reported in individuals affected with clinical features of familial adenomatous polyposis (PMID: 19029688; ClinVar SCV002712125.1, SCV000282703.6). This variant has not been identified in the general population by the Genome Aggregation Database (gnomAD). Different variants affecting the same splice donor site, c.1743+1G>C, c.1743+1G>T, c.1743+2T>C and c.1743+2T>A, are known to be disease-causing (ClinVar variation ID: 1779228, 232800, 2447192, 1779229). Loss of APC function is a known mechanism of disease. Based on the available evidence, this variant is classified as Likely Pathogenic.

This study involves interpretation of variants in research participants for the purpose of population health screening. Participant phenotype was not available at the time of variant classification. Additional details can be found in publication PMID: 35346344, PMCID: PMC8962531

Quest Diagnostics Nichols Institute San Juan Capistrano
Classification: Likely pathogenic. Last evaluated: 2023-11-21. Review status: criteria provided, single submitter. Criteria: Quest Diagnostics criteria. Collection method: clinical testing. Allele origin: unknown.
Comment: The APC c.1743+1G>A variant disrupts a canonical splice-donor site and is predicted to interfere with normal APC mRNA splicing. This variant has been reported in the published literature in an individual with familial adenomatous polyposis (FAP) (PMID: 19029688 (2008)). This variant has not been reported in large, multi-ethnic general populations (Genome Aggregation Database). Based on the available information, this variant is classified as likely pathogenic.

Myriad Genetics, Inc.
Classification: Likely pathogenic for Familial adenomatous polyposis 1. Last evaluated: 2023-05-03. Review status: criteria provided, single submitter. Criteria: Myriad Autosomal Dominant, Autosomal Recessive and X-Linked Classification Criteria (2023). Collection method: clinical testing. Allele origin: unknown.
Comment: This variant is considered likely pathogenic. This variant occurs within a consensus splice junction and is predicted to result in abnormal mRNA splicing of either an out-of-frame exon or an in-frame exon necessary for protein stability and/or normal function.

GeneDx
Classification: Likely pathogenic. Last evaluated: 2021-01-22. Review status: criteria provided, single submitter. Criteria: GeneDx Variant Classification Process June 2021. Collection method: clinical testing. Allele origin: germline. Affected: yes.
Comment: Canonical splice site variant expected to result in aberrant splicing, although in the absence of functional evidence the actual effect of this sequence change is unknown.; Not observed in large population cohorts (Lek et al., 2016); This variant is associated with the following publications: (PMID: 25525159, 19029688, 30720243)

Dr. Peter K. Rogan Lab, Western University
No classification provided (evidence only). Condition: Cervical cancer. Review status: no classification provided. Collection method: in vitro. Allele origin: not applicable. Functional consequence: skipped exon, retained intron. Not counted in ClinVar's aggregate classification.

Literature cited by the submitters: PubMed 16199547 (cited by Labcorp Genetics (formerly Invitae), Labcorp); PubMed 17963004 (cited by Labcorp Genetics (formerly Invitae), Labcorp); PubMed 20685668 (cited by Labcorp Genetics (formerly Invitae), Labcorp and Ambry Genetics); PubMed 19029688 (cited by 4 submitters); PubMed 19196998 (cited by Ambry Genetics); PubMed 30720243 (cited by Quest Diagnostics Nichols Institute San Juan Capistrano); PubMed 25525159 (cited by Quest Diagnostics Nichols Institute San Juan Capistrano).

NM_000038.6(APC):c.1743+1G>A

Gene: APC (APC regulator of Wnt signaling pathway; plus strand). Cytogenetic location: 5q22.2.
Variant type: single nucleotide variant.
Coding change: c.1743+1G>A on transcript NM_000038.6 (MANE Select); the canonical splice donor site of the intron after coding-DNA position 1743, G replaced by A.
Molecular consequence: splice donor variant.
Genome position (GRCh38, 1-based): chr5:112,828,973, G>A. VCF-style: chr5-112828973-G-A. GRCh37 (hg19) VCF-style: chr5-112164670-G-A.
Other names: c.894+1G>A (NM_001407470.1, NM_001354906.2); c.591+1G>A (NM_001407472.1, NM_001407471.1); c.1797+1G>A (NM_001407447.1, NM_001407448.1, NM_001407449.1 and 1 more transcripts); c.1743+1G>A (NM_001354895.2, NM_001407450.1, NM_001127510.3); c.1494+1G>A (NM_001407456.1, NM_001407457.1, NM_001407455.1 and 1 more transcripts); c.1440+1G>A (NM_001407460.1, NM_001407458.1, NM_001407459.1 and 1 more transcripts); c.1713+1G>A (NM_001407452.1); c.1356+1G>A (NM_001407469.1, NM_001407467.1); and 11 more.
Identifiers: ClinVar variation 236563 (VCV000236563.22), dbSNP rs761458613, ClinGen allele CA029187.